The following is an entry in ClinVar:

ClinVar aggregate classification (germline): Conflicting classifications of pathogenicity. Review status: criteria provided, conflicting classifications (1 of 4 stars). 3 submissions from 3 submitters: Uncertain significance (1); Likely benign (1). 1 of the submissions does not count toward it. Last evaluated 2025-04-10.

Conditions:
Inborn genetic diseases. Identifiers: MedGen C0950123, MeSH D030342.
Nizon-Isidor syndrome. Identifiers: MedGen C5394350, MONDO:0030030, OMIM 618872.

Allele frequency attached by ClinVar (database versions not stated): TOPMed 0.00003; gnomAD 0.00004; ExAC 0.00005; gnomAD exomes 0.00005 and 0.00006.
gnomAD v4.1: 85 of 1,614,012 alleles (0.0053%); highest among the groups gnomAD compares: Middle Eastern, 0.016%; no homozygotes.

Submissions (3):

Ambry Genetics
Classification: Likely benign for Inborn genetic diseases. Last evaluated: 2025-04-10. Review status: criteria provided, single submitter. Criteria: Ambry Variant Classification Scheme 2023. Collection method: clinical testing. Allele origin: germline.

Laboratorio de Genetica e Diagnostico Molecular, Hospital Israelita Albert Einstein
Classification: Uncertain significance. Last evaluated: 2020-12-29. Review status: criteria provided, single submitter. Criteria: ACMG Guidelines, 2015. Collection method: clinical testing. Allele origin: germline. Affected: yes.
Comment: ACMG classification criteria: BP4

Hong-Tao Li Lab, Institute of Brain Science and Brain-inspired Research, Shandong First Medical University & Shandong Academy of Medical Sciences China
Classification: Uncertain significance for Nizon-Isidor syndrome. Review status: no assertion criteria provided. Collection method: research. Allele origin: germline. Inheritance: Autosomal dominant inheritance. Affected: yes. Observed: 1 variant allele, 1 heterozygote. Not counted in ClinVar's aggregate classification.
Comment: Observed in affected individuals from a Pakistani neurodevelopmental-disorder research cohort of 263 individuals. Classification assigned using the ACMG/AMP framework. Population-frequency evidence: gnomAD AF 5.306e-05.

NM_001393769.1(MED12L):c.5185G>A (p.Val1729Ile)

Gene: MED12L (mediator complex subunit 12L; plus strand). Cytogenetic location: 3q25.1.
Variant type: single nucleotide variant.
Coding change: c.5185G>A on transcript NM_001393769.1 (MANE Select); coding-DNA position 5185, G replaced by A.
Protein change: p.Val1729Ile; replaces valine 1729 with isoleucine.
Molecular consequence: missense variant.
Genome position (GRCh38, 1-based): chr3:151,387,906, G>A. VCF-style: chr3-151387906-G-A. GRCh37 (hg19) VCF-style: chr3-151105694-G-A.
Other names: c.5080G>A (NM_053002.4); c.5080G>A, p.Val1694Ile (NM_053002.6); short protein forms V1694I, V1729I.
Identifiers: ClinVar variation 1690997 (VCV001690997.4), dbSNP rs564510830, ClinGen allele CA2668726.